The following is an entry in ClinVar:

ClinVar aggregate classification (germline): Uncertain significance (1 of 4 stars; one submission).

Submission:

Labcorp Genetics (formerly Invitae), Labcorp
Classification: Uncertain significance. Last evaluated: 2021-09-20. Review status: criteria provided, single submitter. Criteria: Invitae Variant Classification Sherloc (09022015). Collection method: clinical testing. Allele origin: germline.
Comment: In summary, the available evidence is currently insufficient to determine the role of this variant in disease. Therefore, it has been classified as a Variant of Uncertain Significance. Algorithms developed to predict the effect of missense changes on protein structure and function are either unavailable or do not agree on the potential impact of this missense change (SIFT: "Deleterious"; PolyPhen-2: "Possibly Damaging"; Align-GVGD: "Class C0"). This variant has not been reported in the literature in individuals affected with HK1-related conditions. This variant is not present in population databases (ExAC no frequency). This sequence change replaces proline with serine at codon 513 of the HK1 protein (p.Pro513Ser). The proline residue is highly conserved and there is a moderate physicochemical difference between proline and serine.

NM_000188.3(HK1):c.1537C>T (p.Pro513Ser)

Gene: HK1 (hexokinase 1; plus strand). Cytogenetic location: 10q22.1.
Variant type: single nucleotide variant.
Coding change: c.1537C>T on transcript NM_000188.3 (MANE Select); coding-DNA position 1537, C replaced by T.
Protein change: p.Pro513Ser; replaces proline 513 with serine.
Molecular consequence: missense variant.
Genome position (GRCh38, 1-based): chr10:69,382,758, C>T. VCF-style: chr10-69382758-C-T. GRCh37 (hg19) VCF-style: chr10-71142514-C-T.
Other names: c.1549C>T, p.Pro517Ser (NM_001322364.2, NM_001358263.1, NM_033497.3 and 1 more transcripts); c.1642C>T, p.Pro548Ser (NM_001322365.2); c.1453C>T, p.Pro485Ser (NM_001322366.1); c.1441C>T, p.Pro481Ser (NM_001322367.1); c.1534C>T, p.Pro512Ser (NM_033496.3); c.1501C>T, p.Pro501Ser (NM_033500.2); short protein forms P512S, P548S, P513S, P481S, P485S, P501S, P517S.
Identifiers: ClinVar variation 1382503 (VCV001382503.6), dbSNP rs2132886068, ClinGen allele CA376910272.